The following is an entry in ClinVar:

ClinVar aggregate classification (germline): Uncertain significance. Review status: criteria provided, multiple submitters, no conflicts (2 of 4 stars). 3 submissions from 3 submitters: Uncertain significance (3). Last evaluated 2022-05-05.

Conditions:
Inborn genetic diseases. Identifiers: MedGen C0950123, MeSH D030342.
Giant axonal neuropathy 1 (GAN1). Also called: GAN-Related Neurodegeneration; GIANT AXONAL NEUROPATHY 1, AUTOSOMAL RECESSIVE. Identifiers: Orphanet 643, MedGen C1850386, MONDO:0009749, OMIM 256850.

Allele frequency attached by ClinVar (database versions not stated): TOPMed 0.00002; ESP Exome Variant Server 0.00008; 1000 Genomes Project 30x 0.00016; 1000 Genomes Project 0.00020.
gnomAD v4.1: 35 of 1,613,256 alleles (0.0022%); highest among the groups gnomAD compares: South Asian, 0.0088%; no homozygotes.

Submissions (3):

Labcorp Genetics (formerly Invitae), Labcorp
Classification: Uncertain significance for Giant axonal neuropathy 1. Last evaluated: 2022-05-05. Review status: criteria provided, single submitter. Criteria: Invitae Variant Classification Sherloc (09022015). Collection method: clinical testing. Allele origin: germline.
Comment: This sequence change falls in intron 8 of the GAN gene. It does not directly change the encoded amino acid sequence of the GAN protein. It affects a nucleotide within the consensus splice site. This variant is present in population databases (rs137934652, gnomAD 0.01%). This variant has not been reported in the literature in individuals affected with GAN-related conditions. ClinVar contains an entry for this variant (Variation ID: 950231). Variants that disrupt the consensus splice site are a relatively common cause of aberrant splicing (PMID: 17576681, 9536098). Algorithms developed to predict the effect of sequence changes on RNA splicing suggest that this variant is not likely to affect RNA splicing. In summary, the available evidence is currently insufficient to determine the role of this variant in disease. Therefore, it has been classified as a Variant of Uncertain Significance.

Ambry Genetics
Classification: Uncertain significance for Inborn genetic diseases. Last evaluated: 2021-05-21. Review status: criteria provided, single submitter. Criteria: Ambry Variant Classification Scheme 2023. Collection method: clinical testing. Allele origin: germline.
Comment: The c.1373+4C>T intronic variant results from a C to T substitution 4 nucleotides after coding exon 8 in the GAN gene. This nucleotide position is poorly conserved in available vertebrate species. In silico splice site analysis predicts that this alteration will not have any significant effect on splicing. Since supporting evidence is limited at this time, the clinical significance of this alteration remains unclear.

Breakthrough Genomics
Classification: Uncertain significance. Review status: criteria provided, single submitter. Criteria: ACMG Guidelines, 2015. Collection method: not provided. Allele origin: germline. Inheritance: Autosomal recessive inheritance. Affected: yes.

Literature cited by the submitters: PubMed 17576681 (cited by Labcorp Genetics (formerly Invitae), Labcorp); PubMed 9536098 (cited by Labcorp Genetics (formerly Invitae), Labcorp).

NM_022041.4(GAN):c.1373+4C>T

Gene: GAN (gigaxonin; plus strand). Cytogenetic location: 16q23.2.
Variant type: single nucleotide variant.
Coding change: c.1373+4C>T on transcript NM_022041.4 (MANE Select); 4 bases into the intron after coding-DNA position 1373, C replaced by T.
Molecular consequence: intron variant.
Genome position (GRCh38, 1-based): chr16:81,365,114, C>T. VCF-style: chr16-81365114-C-T. GRCh37 (hg19) VCF-style: chr16-81398719-C-T.
Other names: c.734+4C>T (NM_001377486.1).
Identifiers: ClinVar variation 950231 (VCV000950231.10), dbSNP rs137934652, ClinGen allele CA8191716.
Genomic context (GRCh38, chr16:81,365,114, plus strand): 5'-GTGTTATGATCCCAGGACCCAGCAGTGGACTGCCATATGTCCACTAAAAGAGAGGAGGTA[C>T]GTGGCTGTGGGGTGGACTTTGTAGATTCCCTTGCTGTTCACTGGGTCTGGAGCCCCTTAC-3'